The following is an entry in ClinVar:

ClinVar aggregate classification (germline): Conflicting classifications of pathogenicity. Review status: criteria provided, conflicting classifications (1 of 4 stars). 6 submissions from 6 submitters: Uncertain significance (1); Benign (1); Likely benign (4). Last evaluated 2025-11-10.

Conditions:
Hereditary cancer-predisposing syndrome. Also called: Hereditary Cancer Syndrome; Tumor predisposition; Neoplastic Syndromes, Hereditary; Hereditary neoplastic syndrome. Identifiers: Orphanet 140162, MedGen C0027672, MeSH D009386, MONDO:0015356.
Familial cancer of breast. Also called: hereditary breast carcinoma; BREAST CANCER, FAMILIAL; Hereditary breast cancer. Identifiers: Orphanet 227535, MedGen C0346153, MONDO:0016419, OMIM 114480. Disease mechanism: loss of function.
Ataxia-telangiectasia syndrome (AT). Also called: ATAXIA-TELANGIECTASIA, COMPLEMENTATION GROUP A; ATAXIA-TELANGIECTASIA, FRESNO VARIANT; Ataxia-telangiectasia; Ataxia-telangiectasia, complementation group E; Cerebello-oculocutaneous telangiectasia; Immunodeficiency with ataxia telangiectasia. Identifiers: Orphanet 100, MedGen C0004135, MONDO:0008840, OMIM 208900.

Allele frequency attached by ClinVar (database versions not stated): gnomAD exomes 0.00001 and 0.00002; TOPMed below 0.00001; gnomAD 0.00001.
gnomAD v4.1: 32 of 1,614,090 alleles (0.002%); highest among the groups gnomAD compares: Non-Finnish European, 0.0027%; no homozygotes.

Submissions (6):

Labcorp Genetics (formerly Invitae), Labcorp
Classification: Likely benign for Ataxia-telangiectasia syndrome. Last evaluated: 2025-11-10. Review status: criteria provided, single submitter. Criteria: Invitae Variant Classification Sherloc (09022015). Collection method: clinical testing. Allele origin: germline.

Myriad Genetics, Inc.
Classification: Benign for Familial cancer of breast. Last evaluated: 2024-06-13. Review status: criteria provided, single submitter. Criteria: Myriad Autosomal Dominant, Autosomal Recessive and X-Linked Classification Criteria (2023). Collection method: clinical testing. Allele origin: unknown.
Comment: This variant is considered benign. This variant is a silent/synonymous amino acid change and it is not expected to impact splicing.

Color Diagnostics, LLC DBA Color Health
Classification: Likely benign for Hereditary cancer-predisposing syndrome. Last evaluated: 2019-12-11. Review status: criteria provided, single submitter. Criteria: ACMG Guidelines, 2015. Collection method: clinical testing. Allele origin: germline.

GeneDx
Classification: Likely benign. Last evaluated: 2018-05-14. Review status: criteria provided, single submitter. Criteria: GeneDx Variant Classification Process June 2021. Collection method: clinical testing. Allele origin: germline. Affected: yes.

CeGaT Center for Human Genetics Tuebingen
Classification: Uncertain significance. Last evaluated: 2016-06-01. Review status: criteria provided, single submitter. Criteria: CeGaT Center For Human Genetics Tuebingen Variant Classification Criteria Version 2. Collection method: clinical testing. Allele origin: germline. Affected: yes. Observed: 1 variant allele.

Ambry Genetics
Classification: Likely benign for Hereditary cancer-predisposing syndrome. Last evaluated: 2015-12-07. Review status: criteria provided, single submitter. Criteria: Ambry Variant Classification Scheme 2023. Collection method: clinical testing. Allele origin: germline.

NM_000051.4(ATM):c.7359T>G (p.Arg2453=)

Genes: ATM (ATM serine/threonine kinase; plus strand), C11orf65 (chromosome 11 open reading frame 65; minus strand). Cytogenetic location: 11q22.3.
Variant type: single nucleotide variant.
Coding change: c.7359T>G on transcript NM_000051.4 (MANE Select); coding-DNA position 7359, T replaced by G.
Protein change: p.Arg2453=; no amino-acid change (arginine 2453 retained).
Molecular consequence: synonymous variant. On other transcripts: intron variant (2).
Genome position (GRCh38, 1-based): chr11:108,330,265, T>G. VCF-style: chr11-108330265-T-G. GRCh37 (hg19) VCF-style: chr11-108200992-T-G.
Other names: c.7359T>G, p.Arg2453= (NM_001351834.2); c.641-21194A>C (NM_001330368.2); c.*38+4955A>C (NM_001351110.2).
Identifiers: ClinVar variation 184569 (VCV000184569.58), dbSNP rs786201541, ClinGen allele CA189323.